The following is an entry in ClinVar:

ClinVar aggregate classification (germline): Likely benign. Review status: criteria provided, single submitter (1 of 4 stars). 2 submissions from 2 submitters: Likely benign (1). 1 of the submissions does not count toward it. Last evaluated 2026-03-01.

Conditions:
DNHD1-related disorder. Also called: DNHD1-related condition.

Allele frequency attached by ClinVar (database versions not stated): gnomAD 0.00064; gnomAD exomes 0.00066; ExAC 0.00086; ESP Exome Variant Server 0.00088; TOPMed 0.00091.

Submissions (2):

CeGaT Center for Human Genetics Tuebingen
Classification: Likely benign. Last evaluated: 2026-03-01. Review status: criteria provided, single submitter. Criteria: CeGaT Center For Human Genetics Tuebingen Variant Classification Criteria Version 2. Collection method: clinical testing. Allele origin: germline. Affected: yes. Observed: 4 variant alleles.
Comment: DNHD1: BP4, BP7

PreventionGenetics, part of Exact Sciences
Classification: Likely benign for DNHD1-related condition. Last evaluated: 2019-04-15. Review status: no assertion criteria provided. Collection method: clinical testing. Allele origin: germline. Not counted in ClinVar's aggregate classification.
Comment: This variant is classified as likely benign based on ACMG/AMP sequence variant interpretation guidelines (Richards et al. 2015 PMID: 25741868, with internal and published modifications).

NM_144666.3(DNHD1):c.9804A>G (p.Thr3268=)

Gene: DNHD1 (dynein heavy chain domain 1; plus strand). Cytogenetic location: 11p15.4.
Variant type: single nucleotide variant.
Coding change: c.9804A>G on transcript NM_144666.3 (MANE Select); coding-DNA position 9804, A replaced by G.
Protein change: p.Thr3268=; no amino-acid change (threonine 3268 retained).
Molecular consequence: synonymous variant.
Genome position (GRCh38, 1-based): chr11:6,563,516, A>G. VCF-style: chr11-6563516-A-G. GRCh37 (hg19) VCF-style: chr11-6584746-A-G.
Other names: c.9804A>G (NM_144666.2).
Identifiers: ClinVar variation 2641553 (VCV002641553.25), dbSNP rs369567075, ClinGen allele CA5856434.